The following is an entry in ClinVar:

ClinVar aggregate classification (germline): Uncertain significance (1 of 4 stars; one submission).

Submission:

Labcorp Genetics (formerly Invitae), Labcorp
Classification: Uncertain significance. Last evaluated: 2026-01-08. Review status: criteria provided, single submitter. Criteria: Invitae Variant Classification Sherloc (09022015). Collection method: clinical testing. Allele origin: germline.
Comment: This sequence change creates a premature translational stop signal (p.Thr15*) in the RECQL gene. It is expected to result in an absent or disrupted protein product. However, the current clinical and genetic evidence is not sufficient to establish whether loss-of-function variants in RECQL cause disease. This variant is not present in population databases (gnomAD no frequency). This variant has not been reported in the literature in individuals affected with RECQL-related conditions. In summary, the available evidence is currently insufficient to determine the role of this variant in disease. Therefore, it has been classified as a Variant of Uncertain Significance.

NM_002907.4(RECQL):c.41_42dup (p.Thr15Ter)

Gene: RECQL (RecQ like helicase; minus strand). Cytogenetic location: 12p12.1.
Variant type: Microsatellite.
Coding change: c.41_42dup on transcript NM_002907.4 (MANE Select); coding-DNA positions 41 to 42, 2 bases duplicated (TA; older notation c.41_42dupTA).
Protein change: p.Thr15Ter; replaces threonine 15 with a stop codon.
Molecular consequence: nonsense.
Genome position (GRCh38, 1-based): chr12:21,491,691-21,491,692, TA duplicated on the plus strand (TA on the coding strand, the reverse complement: RECQL is on the minus strand); duplicating any 2 consecutive bases within chr12:21,491,691-21,491,694 gives the same sequence; the c. name uses the placement nearest the transcript's 3' end. VCF-style (leftmost placement, unchanged base first): chr12-21491690-T-TTA. GRCh37 (hg19) VCF-style: chr12-21644624-T-TTA.
Other names: c.41_42dup, p.Thr15Ter (NM_032941.3); short protein forms T15*.
Identifiers: ClinVar variation 4734940 (VCV004734940.1).
Genomic context (GRCh38, chr12:21,491,690, plus strand): 5'-GCTCTTGTTGCCTTTCCGTAAGTTCTTGAATTTGAATTTCTACTGCATGTAGCTCACTGG[T>TTA]TATAGAATCCAGTTCCTCAGTTAGAGCTATGGGAGGCAGCGCGGATACAATGATTAGACA-3'